The following is an entry in ClinVar:

NM_002529.4(NTRK1):c.472T>C (p.Trp158Arg)

Gene: NTRK1 (neurotrophic receptor tyrosine kinase 1; plus strand). Cytogenetic location: 1q23.1.
Variant type: single nucleotide variant.
Coding change: c.472T>C on transcript NM_002529.4 (MANE Select); coding-DNA position 472, T replaced by C.
Protein change: p.Trp158Arg; replaces tryptophan 158 with arginine.
Molecular consequence: missense variant.
Genome position (GRCh38, 1-based): chr1:156,868,147, T>C. VCF-style: chr1-156868147-T-C. GRCh37 (hg19) VCF-style: chr1-156837939-T-C.
Other names: c.472T>C, p.Trp158Arg (NM_001007204.1, NM_001012331.2); c.382T>C, p.Trp128Arg (NM_001007792.1); short protein forms W158R, W128R.
Identifiers: ClinVar variation 1939135 (VCV001939135.2), dbSNP rs2525589962, ClinGen allele CA342933672.
Genomic context (GRCh38, chr1:156,868,147, plus strand): 5'-TCCCCCATGCCCCCCAGGGTCCTGTCGGGGAACCCTCTGCACTGTTCTTGTGCCCTGCGC[T>C]GGCTACAGCGCTGGGAGGAGGAGGGACTGGGCGGAGTGCCTGAACAGAAGCTGCAGTGTC-3'
Protein context (NP_002520.2, residues 148-168): NPLHCSCALR[Trp158Arg]LQRWEEEGLG

ClinVar aggregate classification (germline): Uncertain significance (1 of 4 stars; one submission).

Conditions:
Hereditary insensitivity to pain with anhidrosis (CIPA). Also called: hereditary sensory and autonomic neuropathy type 4; NEUROPATHY, CONGENITAL SENSORY, WITH ANHIDROSIS; FAMILIAL DYSAUTONOMIA, TYPE II; INSENSITIVITY TO PAIN, CONGENITAL, WITH ANHIDROSIS; HSAN Type IV; NTRK1 Congenital Insensitivity to Pain with Anhidrosis. Identifiers: Orphanet 642, MedGen C0020074, MONDO:0009746, OMIM 256800.

Allele frequency attached by ClinVar (database versions not stated): gnomAD exomes below 0.00001.
gnomAD v4.1: 1 of 1,613,856 alleles (0.000062%); highest among the groups gnomAD compares: Non-Finnish European, 0.000085%; no homozygotes.

Submission:

Labcorp Genetics (formerly Invitae), Labcorp
Classification: Uncertain significance for Hereditary insensitivity to pain with anhidrosis. Last evaluated: 2022-01-06. Review status: criteria provided, single submitter. Criteria: Invitae Variant Classification Sherloc (09022015). Collection method: clinical testing. Allele origin: germline.
Comment: This sequence change replaces tryptophan, which is neutral and slightly polar, with arginine, which is basic and polar, at codon 158 of the NTRK1 protein (p.Trp158Arg). This variant is not present in population databases (gnomAD no frequency). This variant has not been reported in the literature in individuals affected with NTRK1-related conditions. Advanced modeling of protein sequence and biophysical properties (such as structural, functional, and spatial information, amino acid conservation, physicochemical variation, residue mobility, and thermodynamic stability) performed at Invitae indicates that this missense variant is expected to disrupt NTRK1 protein function. In summary, the available evidence is currently insufficient to determine the role of this variant in disease. Therefore, it has been classified as a Variant of Uncertain Significance.